The following is an entry in ClinVar:

ClinVar aggregate classification (germline): Benign (0 of 4 stars; one submission).

Conditions:
ATP2A3-related disorder. Also called: ATP2A3-related condition.

Allele frequency attached by ClinVar (database versions not stated): ESP Exome Variant Server 0.00054; TOPMed 0.00159; gnomAD exomes 0.00186; gnomAD 0.00226; ExAC 0.00372; 1000 Genomes Project 30x 0.00609; 1000 Genomes Project 0.00679.
gnomAD v4.1: 3,074 of 1,613,920 alleles (0.19%); highest among the groups gnomAD compares: East Asian, 4.2%; 37 homozygotes.

Submission:

PreventionGenetics, part of Exact Sciences
Classification: Benign for ATP2A3-related condition. Last evaluated: 2019-09-20. Review status: no assertion criteria provided. Collection method: clinical testing. Allele origin: germline.
Comment: This variant is classified as benign based on ACMG/AMP sequence variant interpretation guidelines (Richards et al. 2015 PMID: 25741868, with internal and published modifications).

NM_005173.4(ATP2A3):c.396G>A (p.Ser132=)

Gene: ATP2A3 (ATPase sarcoplasmic/endoplasmic reticulum Ca2+ transporting 3; minus strand). Cytogenetic location: 17p13.2.
Variant type: single nucleotide variant.
Coding change: c.396G>A on transcript NM_005173.4 (MANE Select); coding-DNA position 396, G replaced by A.
Protein change: p.Ser132=; no amino-acid change (serine 132 retained).
Molecular consequence: synonymous variant.
Genome position (GRCh38, 1-based): chr17:3,951,318, C>T on the plus strand (G>A on the coding strand, the complement: ATP2A3 is on the minus strand). VCF-style: chr17-3951318-C-T. GRCh37 (hg19) VCF-style: chr17-3854612-C-T.
Other names: c.396G>A, p.Ser132= (NM_174953.3, NM_174954.3, NM_174955.3 and 3 more transcripts).
Identifiers: ClinVar variation 3044635 (VCV003044635.2), dbSNP rs17846881, ClinGen allele CA8297582.
Genomic context (GRCh38, chr17:3,951,318, plus strand): 5'-TTCTACAATGTCCCCTGGGACGATGTCCCGGGCACGGATCCTCTGCACGCCCTTGCGGTC[C>T]GAGCGGATCACCTTGCCCATCTCAGGCTCATACTCCTTCAGGGCCTCGATGGCACTCTCG-3'
Protein context (NP_005164.2, residues 122-142): YEPEMGKVIR[Ser132=]DRKGVQRIRA